The following is an entry in ClinVar:

ClinVar aggregate classification (germline): Uncertain significance. Review status: criteria provided, multiple submitters, no conflicts (2 of 4 stars). 4 submissions from 4 submitters: Uncertain significance (3). 1 of the submissions does not count toward it. Last evaluated 2025-10-06.

Conditions:
Primary ciliary dyskinesia 3. Identifiers: Orphanet 244, MedGen C1837618, MONDO:0012085, OMIM 608644.
Primary ciliary dyskinesia. Also called: Ciliary dyskinesia. Identifiers: Orphanet 244, MedGen C0008780, MONDO:0016575, HP:0012265.

Allele frequency attached by ClinVar (database versions not stated): ExAC 0.00001; gnomAD 0.00001; TOPMed 0.00003; gnomAD exomes below 0.00001.
gnomAD v4.1: 4 of 1,614,062 alleles (0.00025%); highest among the groups gnomAD compares: Admixed American, 0.005%; no homozygotes.

Submissions (4):

Myriad Genetics, Inc.
Classification: Uncertain significance for Primary ciliary dyskinesia 3. Last evaluated: 2025-10-06. Review status: criteria provided, single submitter. Criteria: Myriad Autosomal Dominant, Autosomal Recessive and X-Linked Classification Criteria (2023). Collection method: clinical testing. Allele origin: unknown.
Comment: NM_001369.2(DNAH5):c.11519A>G(Y3840C) is a missense variant classified as a variant of uncertain significance in the context of primary ciliary dyskinesia, DNAH5-related. Y3840C has not been observed in cases with relevant disease. Relevant functional assessments of this variant are not available in the literature. Y3840C has been observed in referenced population frequency databases. In summary, there is insufficient evidence to classify NM_001369.2(DNAH5):c.11519A>G(Y3840C) as pathogenic or benign. Please note: this variant was assessed in the context of healthy population screening.

GeneDx
Classification: Uncertain significance. Last evaluated: 2024-06-23. Review status: criteria provided, single submitter. Criteria: GeneDx Variant Classification Process June 2021. Collection method: clinical testing. Allele origin: germline. Affected: yes.
Comment: Not observed at significant frequency in large population cohorts (gnomAD); In silico analysis supports that this missense variant has a deleterious effect on protein structure/function; Has not been previously published as pathogenic or benign to our knowledge

Labcorp Genetics (formerly Invitae), Labcorp
Classification: Uncertain significance for Primary ciliary dyskinesia. Last evaluated: 2022-07-27. Review status: criteria provided, single submitter. Criteria: Invitae Variant Classification Sherloc (09022015). Collection method: clinical testing. Allele origin: germline.
Comment: This sequence change replaces tyrosine, which is neutral and polar, with cysteine, which is neutral and slightly polar, at codon 3840 of the DNAH5 protein (p.Tyr3840Cys). This variant is present in population databases (rs761555252, gnomAD 0.003%). This missense change has been observed in individual(s) with clinical features of DNAH5-related conditions (Invitae). ClinVar contains an entry for this variant (Variation ID: 576089). Advanced modeling of protein sequence and biophysical properties (such as structural, functional, and spatial information, amino acid conservation, physicochemical variation, residue mobility, and thermodynamic stability) performed at Invitae indicates that this missense variant is expected to disrupt DNAH5 protein function. In summary, the available evidence is currently insufficient to determine the role of this variant in disease. Therefore, it has been classified as a Variant of Uncertain Significance.

Natera, Inc.
Classification: Uncertain significance for Primary ciliary dyskinesia. Last evaluated: 2020-11-23. Review status: no assertion criteria provided. Collection method: clinical testing. Allele origin: germline. Not counted in ClinVar's aggregate classification.

NM_001369.3(DNAH5):c.11519A>G (p.Tyr3840Cys)

Gene: DNAH5 (dynein axonemal heavy chain 5; minus strand). Cytogenetic location: 5p15.2.
Variant type: single nucleotide variant.
Coding change: c.11519A>G on transcript NM_001369.3 (MANE Select); coding-DNA position 11519, A replaced by G.
Protein change: p.Tyr3840Cys; replaces tyrosine 3840 with cysteine.
Molecular consequence: missense variant.
Genome position (GRCh38, 1-based): chr5:13,735,869, T>C on the plus strand (A>G on the coding strand, the complement: DNAH5 is on the minus strand). VCF-style: chr5-13735869-T-C. GRCh37 (hg19) VCF-style: chr5-13735978-T-C.
Other names: short protein forms Y3840C.
Identifiers: ClinVar variation 576089 (VCV000576089.12), dbSNP rs761555252, ClinGen allele CA3201935.
Genomic context (GRCh38, chr5:13,735,869, plus strand): 5'-CAGACGTACCTGGCTAAGGAAAGGTCAAATAAGCCCAGAAACTGGCGAAGCGAAGTCTGA[T>C]ACATCTCATTAACCAAGCGCATCTCAGTAATGAGGAAGTAGAGGATGCTGCCCCGCGTAG-3'
Protein context (NP_001360.1, residues 3830-3850): ITEMRLVNEM[Tyr3840Cys]QTSLRQFLGL